The following is an entry in ClinVar:

ClinVar aggregate classification (germline): Uncertain significance (1 of 4 stars; one submission).

Conditions:
Hereditary cancer-predisposing syndrome. Also called: Neoplastic Syndromes, Hereditary; Tumor predisposition; Hereditary neoplastic syndrome; Hereditary Cancer Syndrome. Identifiers: Orphanet 140162, MedGen C0027672, MeSH D009386, MONDO:0015356.

Submission:

Ambry Genetics
Classification: Uncertain significance for Hereditary cancer-predisposing syndrome. Last evaluated: 2023-01-18. Review status: criteria provided, single submitter. Criteria: Ambry Variant Classification Scheme 2023. Collection method: clinical testing. Allele origin: germline.
Comment: The p.K738T variant (also known as c.2213A>C), located in coding exon 14 of the PTCH1 gene, results from an A to C substitution at nucleotide position 2213. The lysine at codon 738 is replaced by threonine, an amino acid with similar properties. This amino acid position is conserved. In addition, the in silico prediction for this alteration is inconclusive. Since supporting evidence is limited at this time, the clinical significance of this alteration remains unclear.

NM_000264.5(PTCH1):c.2213A>C (p.Lys738Thr)

Genes: PTCH1 (patched 1; minus strand), LOC100507346 (uncharacterized LOC100507346; plus strand). Cytogenetic location: 9q22.32.
Variant type: single nucleotide variant.
Coding change: c.2213A>C on transcript NM_000264.5 (MANE Select); coding-DNA position 2213, A replaced by C.
Protein change: p.Lys738Thr; replaces lysine 738 with threonine.
Molecular consequence: missense variant. On other transcripts: non-coding transcript variant (2).
Genome position (GRCh38, 1-based): chr9:95,468,788, T>G on the plus strand (A>C on the coding strand, the complement: PTCH1 is on the minus strand). VCF-style: chr9-95468788-T-G. GRCh37 (hg19) VCF-style: chr9-98231070-T-G.
Other names: c.2015A>C, p.Lys672Thr (NM_001083602.3); c.2210A>C, p.Lys737Thr (NM_001083603.3); c.1760A>C, p.Lys587Thr (NM_001083604.3, NM_001083605.3, NM_001083606.3 and 1 more transcripts); c.2057A>C, p.Lys686Thr (NM_001354918.2); short protein forms K672T, K737T, K686T, K738T, K587T.
Identifiers: ClinVar variation 2449671 (VCV002449671.2), dbSNP rs2118026224, ClinGen allele CA374115303.